The following is an entry in ClinVar:

ClinVar aggregate classification (germline): Conflicting classifications of pathogenicity. Review status: criteria provided, conflicting classifications (1 of 4 stars). 2 submissions from 2 submitters: Uncertain significance (1); Benign (1). Last evaluated 2026-05-14.

Conditions:
Cardiovascular phenotype. Identifiers: MedGen CN230736.
Hereditary hemorrhagic telangiectasia (HHT). Also called: ORW DISEASE; Osler Weber Rendu syndrome; OSLER-RENDU-WEBER DISEASE; Osler hemorrhagic telangiectasia syndrome. Identifiers: Orphanet 774, MedGen C0039445, MONDO:0019180. Disease mechanism: loss of function.

gnomAD v4.1: 4 of 1,613,984 alleles (0.00025%); highest among the groups gnomAD compares: African/African-American, 0.0027%; no homozygotes.

Submissions (2):

Ambry Genetics
Classification: Uncertain significance for Cardiovascular phenotype. Last evaluated: 2026-05-14. Review status: criteria provided, single submitter. Criteria: Ambry Variant Classification Scheme 2023. Collection method: clinical testing. Allele origin: germline.
Comment: The p.T135N variant (also known as c.404C>A), located in coding exon 4 of the ENG gene, results from a C to A substitution at nucleotide position 404. The threonine at codon 135 is replaced by asparagine, an amino acid with similar properties. This amino acid position is conserved. In addition, this alteration is predicted to be tolerated by in silico analysis. Based on the available evidence, the clinical significance of this variant remains unclear.

Labcorp Genetics (formerly Invitae), Labcorp
Classification: Benign for Hereditary hemorrhagic telangiectasia. Last evaluated: 2026-01-30. Review status: criteria provided, single submitter. Criteria: Invitae Variant Classification Sherloc (09022015). Collection method: clinical testing. Allele origin: germline.

NM_001114753.3(ENG):c.404C>A (p.Thr135Asn)

Gene: ENG (endoglin; minus strand). Cytogenetic location: 9q34.11.
Variant type: single nucleotide variant.
Coding change: c.404C>A on transcript NM_001114753.3 (MANE Select); coding-DNA position 404, C replaced by A.
Protein change: p.Thr135Asn; replaces threonine 135 with asparagine.
Molecular consequence: missense variant. On other transcripts: 5 prime UTR variant (1).
Genome position (GRCh38, 1-based): chr9:127,826,629, G>T on the plus strand (C>A on the coding strand, the complement: ENG is on the minus strand). VCF-style: chr9-127826629-G-T. GRCh37 (hg19) VCF-style: chr9-130588908-G-T.
Other names: c.404C>A, p.Thr135Asn (NM_000118.4, NM_001406715.1); c.-143C>A (NM_001278138.2); c.404C>A (NM_001114753.1); short protein forms T135N.
Identifiers: ClinVar variation 4798755 (VCV004798755.2).
Genomic context (GRCh38, chr9:127,826,629, plus strand): 5'-GGGCCCCTCTCAGCTGCCCACTCAAGGATCTGGGTCTTGGGGAAGGATGGCAGCTCTGTG[G>T]TGTTGACCCCCGGGGGCTCTTGGAAGGTGACCAGGCTGGAATTCTGGGGAGACATGTGGA-3'
Protein context (NP_001108225.1, residues 125-145): VTFQEPPGVN[Thr135Asn]TELPSFPKTQ